The following is an entry in ClinVar:

ClinVar aggregate classification (germline): Uncertain significance (1 of 4 stars; one submission).

Conditions:
Griscelli syndrome type 2 (GS2). Also called: GRISCELLI SYNDROME WITH HEMOPHAGOCYTIC SYNDROME; PAID SYNDROME; PARTIAL ALBINISM AND IMMUNODEFICIENCY SYNDROME. Identifiers: Orphanet 381, Orphanet 79477, MedGen C1868679, MONDO:0011872, OMIM 607624.

Allele frequency attached by ClinVar (database versions not stated): gnomAD exomes below 0.00001; ExAC 0.00002; gnomAD 0.00004; TOPMed 0.00005; ESP Exome Variant Server 0.00008.
gnomAD v4.1: 7 of 1,614,024 alleles (0.00043%); highest among the groups gnomAD compares: African/African-American, 0.0093%; no homozygotes.

Submission:

Labcorp Genetics (formerly Invitae), Labcorp
Classification: Uncertain significance for Griscelli syndrome type 2. Last evaluated: 2023-10-23. Review status: criteria provided, single submitter. Criteria: Invitae Variant Classification Sherloc (09022015). Collection method: clinical testing. Allele origin: germline.
Comment: This sequence change replaces aspartic acid, which is acidic and polar, with asparagine, which is neutral and polar, at codon 190 of the RAB27A protein (p.Asp190Asn). This variant is present in population databases (rs373846556, gnomAD 0.02%). This variant has not been reported in the literature in individuals affected with RAB27A-related conditions. ClinVar contains an entry for this variant (Variation ID: 1953396). Advanced modeling of protein sequence and biophysical properties (such as structural, functional, and spatial information, amino acid conservation, physicochemical variation, residue mobility, and thermodynamic stability) performed at Invitae indicates that this missense variant is not expected to disrupt RAB27A protein function with a negative predictive value of 95%. In summary, the available evidence is currently insufficient to determine the role of this variant in disease. Therefore, it has been classified as a Variant of Uncertain Significance.

NM_183235.3(RAB27A):c.568G>A (p.Asp190Asn)

Gene: RAB27A (RAB27A, member RAS oncogene family; minus strand). Cytogenetic location: 15q21.3.
Variant type: single nucleotide variant.
Coding change: c.568G>A on transcript NM_183235.3 (MANE Select); coding-DNA position 568, G replaced by A.
Protein change: p.Asp190Asn; replaces aspartic acid 190 with asparagine.
Molecular consequence: missense variant.
Genome position (GRCh38, 1-based): chr15:55,205,605, C>T on the plus strand (G>A on the coding strand, the complement: RAB27A is on the minus strand). VCF-style: chr15-55205605-C-T. GRCh37 (hg19) VCF-style: chr15-55497803-C-T.
Other names: c.568G>A, p.Asp190Asn (NM_004580.5, NM_183234.3, NM_183236.3); short protein forms D190N.
Identifiers: ClinVar variation 1953396 (VCV001953396.5), dbSNP rs373846556, ClinGen allele CA7573529.